The following is an entry in ClinVar:

ClinVar aggregate classification (germline): Uncertain significance (1 of 4 stars; one submission).

Allele frequency attached by ClinVar (database versions not stated): gnomAD 0.00003; TOPMed 0.00003; ExAC 0.00005; gnomAD exomes 0.00006; ESP Exome Variant Server 0.00008.

Submission:

Labcorp Genetics (formerly Invitae), Labcorp
Classification: Uncertain significance. Last evaluated: 2024-11-05. Review status: criteria provided, single submitter. Criteria: Invitae Variant Classification Sherloc (09022015). Collection method: clinical testing. Allele origin: germline.
Comment: This variant, c.1485_1487del, results in the deletion of 1 amino acid(s) of the KANK1 protein (p.Gly496del), but otherwise preserves the integrity of the reading frame. This variant is present in population databases (rs760406323, gnomAD 0.009%). This variant has not been reported in the literature in individuals affected with KANK1-related conditions. ClinVar contains an entry for this variant (Variation ID: 2728764). Experimental studies and prediction algorithms are not available or were not evaluated, and the functional significance of this variant is currently unknown. In summary, the available evidence is currently insufficient to determine the role of this variant in disease. Therefore, it has been classified as a Variant of Uncertain Significance.

NM_015158.5(KANK1):c.1485_1487del (p.Gly496del)

Gene: KANK1 (KN motif and ankyrin repeat domains 1; plus strand). Cytogenetic location: 9p24.3.
Variant type: Deletion.
Coding change: c.1485_1487del on transcript NM_015158.5 (MANE Select); coding-DNA positions 1485 to 1487, 3 bases deleted (TGG; older notation c.1485_1487delTGG).
Protein change: p.Gly496del; deletes glycine 496.
Molecular consequence: inframe deletion. On other transcripts: non-coding transcript variant (1).
Genome position (GRCh38, 1-based): chr9:712,251-712,253, TGG deleted. VCF-style (leftmost placement, unchanged base first): chr9-712250-CTGG-C. GRCh37 (hg19) VCF-style: chr9-712250-CTGG-C.
Other names: c.1485_1487del, p.Gly496del (NM_001256876.3, NM_001256877.3, NM_001354331.2 and 2 more transcripts); c.1011_1013del, p.Gly338del (NM_001354333.2, NM_001354335.2, NM_001354336.2 and 9 more transcripts); short protein forms G338del, G496del.
Identifiers: ClinVar variation 2728764 (VCV002728764.3), dbSNP rs760406323, ClinGen allele CA4960233.
Genomic context (GRCh38, chr9:712,250, plus strand): 5'-AGCTTAGAGAAACCACCCATGACCGGGAGATGACTAAACTGAAACAAGAGCTGCAGGCTG[CTGG>C]ATCGAGGAAAAAGGTTGACAAAGCCACGATGGCCCAGCCGCTTGTTTTCAGTAAGGTGGT-3'